The following is an entry in ClinVar:

NM_001366207.1(DLG1):c.484-11853C>T

Gene: DLG1 (discs large MAGUK scaffold protein 1; minus strand). Cytogenetic location: 3q29.
Variant type: single nucleotide variant.
Coding change: c.484-11853C>T on transcript NM_001366207.1 (MANE Select); 11853 bases into the intron before coding-DNA position 484, C replaced by T.
Molecular consequence: intron variant. On other transcripts: synonymous variant (7).
Genome position (GRCh38, 1-based): chr3:197,161,649, G>A on the plus strand (C>T on the coding strand, the complement: DLG1 is on the minus strand). VCF-style: chr3-197161649-G-A. GRCh37 (hg19) VCF-style: chr3-196888520-G-A.
Other names: c.573C>T, p.Thr191= (NM_001098424.1, NM_001290983.2, NM_001366214.1 and 2 more transcripts); c.324C>T, p.Thr108= (NM_001366221.1, NM_001366222.1); c.484-18881C>T (NM_001366203.1, NM_001366206.1, NM_001366216.1 and 2 more transcripts); c.484-11853C>T (NM_001366204.1, NM_001366205.1, NM_001366208.1 and 9 more transcripts); c.235-11853C>T (NM_001204388.2, NM_001204387.2).
Identifiers: ClinVar variation 3057810 (VCV003057810.2), dbSNP rs2149894843, ClinGen allele CA437965268.

ClinVar aggregate classification (germline): Likely benign (0 of 4 stars; one submission).

Conditions:
DLG1-related disorder. Also called: DLG1-related condition.

Allele frequency attached by ClinVar (database versions not stated): gnomAD exomes below 0.00001.
gnomAD v4.1: 2 of 1,514,254 alleles (0.00013%); highest among the groups gnomAD compares: Non-Finnish European, 0.00018%; no homozygotes.

Submission:

PreventionGenetics, part of Exact Sciences
Classification: Likely benign for DLG1-related condition. Last evaluated: 2022-11-30. Review status: no assertion criteria provided. Collection method: clinical testing. Allele origin: germline.
Comment: This variant is classified as likely benign based on ACMG/AMP sequence variant interpretation guidelines (Richards et al. 2015 PMID: 25741868, with internal and published modifications).